The following is an entry in ClinVar:

ClinVar aggregate classification (germline): Uncertain significance (1 of 4 stars; one submission).

gnomAD v4.1: 7 of 1,543,896 alleles (0.00045%); highest among the groups gnomAD compares: Non-Finnish European, 0.00062%; no homozygotes.

Submission:

Labcorp Genetics (formerly Invitae), Labcorp
Classification: Uncertain significance. Last evaluated: 2024-12-22. Review status: criteria provided, single submitter. Criteria: Invitae Variant Classification Sherloc (09022015). Collection method: clinical testing. Allele origin: germline.
Comment: This sequence change replaces threonine, which is neutral and polar, with alanine, which is neutral and non-polar, at codon 392 of the IFNAR1 protein (p.Thr392Ala). This variant is not present in population databases (gnomAD no frequency). This variant has not been reported in the literature in individuals affected with IFNAR1-related conditions. An algorithm developed to predict the effect of missense changes on protein structure and function (PolyPhen-2) suggests that this variant is likely to be tolerated. In summary, the available evidence is currently insufficient to determine the role of this variant in disease. Therefore, it has been classified as a Variant of Uncertain Significance.

NM_000629.3(IFNAR1):c.1174A>G (p.Thr392Ala)

Gene: IFNAR1 (interferon alpha and beta receptor subunit 1; plus strand). Cytogenetic location: 21q22.11.
Variant type: single nucleotide variant.
Coding change: c.1174A>G on transcript NM_000629.3 (MANE Select); coding-DNA position 1174, A replaced by G.
Protein change: p.Thr392Ala; replaces threonine 392 with alanine.
Molecular consequence: missense variant.
Genome position (GRCh38, 1-based): chr21:33,352,788, A>G. VCF-style: chr21-33352788-A-G. GRCh37 (hg19) VCF-style: chr21-34725094-A-G.
Other names: c.1174A>G, p.Thr392Ala (NM_001384498.1, NM_001384499.1, NM_001384503.1); c.412A>G, p.Thr138Ala (NM_001384500.1); c.1159A>G, p.Thr387Ala (NM_001384501.1); c.712A>G, p.Thr238Ala (NM_001384502.1); c.967A>G, p.Thr323Ala (NM_001384504.1); short protein forms T138A, T238A, T323A, T387A, T392A.
Identifiers: ClinVar variation 3605537 (VCV003605537.2).